The following is an entry in ClinVar:

ClinVar aggregate classification (germline): Uncertain significance (1 of 4 stars; one submission).

Conditions:
Primary ciliary dyskinesia. Also called: Ciliary dyskinesia. Identifiers: Orphanet 244, MedGen C0008780, MONDO:0016575, HP:0012265.

Submission:

Labcorp Genetics (formerly Invitae), Labcorp
Classification: Uncertain significance for Primary ciliary dyskinesia. Last evaluated: 2022-05-08. Review status: criteria provided, single submitter. Criteria: Invitae Variant Classification Sherloc (09022015). Collection method: clinical testing. Allele origin: germline.
Comment: This sequence change replaces glycine, which is neutral and non-polar, with cysteine, which is neutral and slightly polar, at codon 137 of the CCDC40 protein (p.Gly137Cys). This variant is not present in population databases (gnomAD no frequency). In summary, the available evidence is currently insufficient to determine the role of this variant in disease. Therefore, it has been classified as a Variant of Uncertain Significance. Algorithms developed to predict the effect of missense changes on protein structure and function are either unavailable or do not agree on the potential impact of this missense change (SIFT: "Deleterious"; PolyPhen-2: "Possibly Damaging"; Align-GVGD: "Class C0"). This variant has not been reported in the literature in individuals affected with CCDC40-related conditions.

NM_017950.4(CCDC40):c.409G>T (p.Gly137Cys)

Gene: CCDC40 (coiled-coil domain 40 molecular ruler complex subunit; plus strand). Cytogenetic location: 17q25.3.
Variant type: single nucleotide variant.
Coding change: c.409G>T on transcript NM_017950.4 (MANE Select); coding-DNA position 409, G replaced by T.
Protein change: p.Gly137Cys; replaces glycine 137 with cysteine.
Molecular consequence: missense variant.
Genome position (GRCh38, 1-based): chr17:80,040,127, G>T. VCF-style: chr17-80040127-G-T. GRCh37 (hg19) VCF-style: chr17-78013926-G-T.
Other names: c.409G>T, p.Gly137Cys (NM_001243342.2, NM_001330508.2); short protein forms G137C.
Identifiers: ClinVar variation 2135567 (VCV002135567.4), dbSNP rs2510284200, ClinGen allele CA401348294.